The following is an entry in ClinVar:

NC_000006.11:g.(?_38743510)_(38843624_?)dup

Gene: DNAH8 (dynein axonemal heavy chain 8; plus strand). Cytogenetic location: 6p21.2.
Variant type: Duplication.
Identifiers: ClinVar variation 3245948 (VCV003245948.1).

ClinVar aggregate classification (germline): Likely pathogenic (1 of 4 stars; one submission).

Conditions:
Primary ciliary dyskinesia. Also called: Ciliary dyskinesia. Identifiers: Orphanet 244, MedGen C0008780, MONDO:0016575, HP:0012265.

Submission:

Labcorp Genetics (formerly Invitae), Labcorp
Classification: Likely pathogenic for Primary ciliary dyskinesia. Last evaluated: 2023-05-20. Review status: criteria provided, single submitter. Criteria: Invitae Variant Classification Sherloc (09022015). Collection method: clinical testing. Allele origin: unknown.
Comment: In summary, the currently available evidence indicates that the variant is pathogenic, but additional data are needed to prove that conclusively. Therefore, this variant has been classified as Likely Pathogenic. This variant has not been reported in the literature in individuals affected with DNAH8-related conditions. This variant results in a copy number gain of the genomic region encompassing exon(s) 13-53 of the DNAH8 gene. While the exact position of this variant cannot be determined from the data, sub-genic copy number gains are generally in tandem (PMID: 25640679). This variant is predicted to be out-of-frame, and may result in an absent or disrupted protein product. Loss-of-function variants in DNAH8 are known to be pathogenic (PMID: 24307375, 32619401, 32681648).

Literature cited by the submitters: PubMed 25640679; PubMed 24307375; PubMed 32619401; PubMed 32681648.